The following is an entry in ClinVar:

ClinVar aggregate classification (germline): Benign/Likely benign. Review status: criteria provided, multiple submitters, no conflicts (2 of 4 stars). 5 submissions from 5 submitters: Benign (1); Likely benign (4). Last evaluated 2026-01-31.

Conditions:
Fanconi anemia (FA). Also called: Fanconi's anemia. Identifiers: Orphanet 84, MedGen C0015625, MeSH D005199, MONDO:0019391.
Fanconi anemia complementation group L (FANCL). Also called: FANCL-Related Fanconi Anemia. Identifiers: Orphanet 84, MedGen C3469528, MONDO:0013566, OMIM 614083.

Allele frequency attached by ClinVar (database versions not stated): gnomAD exomes 0.00013 and 0.00041; ExAC 0.00052; gnomAD 0.00148 and 0.00156; ESP Exome Variant Server 0.00177; TOPMed 0.00179; 1000 Genomes Project 0.00220; 1000 Genomes Project 30x 0.00250.
gnomAD v4.1: 422 of 1,612,916 alleles (0.026%); highest among the groups gnomAD compares: African/African-American, 0.51%; 1 homozygote.

Submissions (5):

Labcorp Genetics (formerly Invitae), Labcorp
Classification: Benign for Fanconi anemia. Last evaluated: 2026-01-31. Review status: criteria provided, single submitter. Criteria: Invitae Variant Classification Sherloc (09022015). Collection method: clinical testing. Allele origin: germline.

Blueprint Genetics
Classification: Likely benign. Last evaluated: 2023-08-03. Review status: criteria provided, single submitter. Criteria: ACMG Guidelines, 2015. Collection method: clinical testing. Allele origin: germline.

Sema4
Classification: Likely benign for Fanconi anemia. Last evaluated: 2021-12-01. Review status: criteria provided, single submitter. Criteria: Sema4 Curation Guidelines. Collection method: curation. Allele origin: germline.

Illumina Laboratory Services, Illumina
Classification: Likely benign for Fanconi anemia complementation group L. Last evaluated: 2018-01-13. Review status: criteria provided, single submitter. Criteria: ICSL Variant Classification Criteria 13 December 2019. Collection method: clinical testing. Allele origin: germline.
Comment: This variant was observed in the ICSL laboratory as part of a predisposition screen in an ostensibly healthy population. It had not been previously curated by ICSL or reported in the Human Gene Mutation Database (HGMD: prior to June 1st, 2018), and was therefore a candidate for classification through an automated scoring system. Utilizing variant allele frequency, disease prevalence and penetrance estimates, and inheritance mode, an automated score was calculated to assess if this variant is too frequent to cause the disease. Based on the score and internal cut-off values, a variant classified as likely benign is not then subjected to further curation. The score for this variant resulted in a classification of likely benign for this disease.

Genetic Services Laboratory, University of Chicago
Classification: Likely benign. Last evaluated: 2016-03-14. Review status: criteria provided, single submitter. Criteria: ACMG Guidelines, 2015. Collection method: clinical testing. Allele origin: germline. Affected: no.

NM_018062.4(FANCL):c.817T>C (p.Leu273=)

Gene: FANCL (FA complementation group L; minus strand). Cytogenetic location: 2p16.1.
Variant type: single nucleotide variant.
Coding change: c.817T>C on transcript NM_018062.4 (MANE Select); coding-DNA position 817, T replaced by C.
Protein change: p.Leu273=; no amino-acid change (leucine 273 retained).
Molecular consequence: synonymous variant.
Genome position (GRCh38, 1-based): chr2:58,163,033, A>G on the plus strand (T>C on the coding strand, the complement: FANCL is on the minus strand). VCF-style: chr2-58163033-A-G. GRCh37 (hg19) VCF-style: chr2-58390168-A-G.
Other names: c.832T>C, p.Leu278= (NM_001114636.2); c.862T>C, p.Leu288= (NM_001374615.1); c.877T>C, p.Leu293= (NM_001410792.1).
Identifiers: ClinVar variation 414854 (VCV000414854.20), dbSNP rs61753272, ClinGen allele CA1670438.